The following is an entry in ClinVar:

ClinVar aggregate classification (germline): Conflicting classifications of pathogenicity. Review status: criteria provided, conflicting classifications (1 of 4 stars). 8 submissions from 4 submitters: Uncertain significance (4); Benign (2); Likely benign (2). Last evaluated 2026-01-10.

Conditions:
Dilated cardiomyopathy 1G (CMD1G). Identifiers: Orphanet 154, MedGen C1858763, MONDO:0011400, OMIM 604145.
Autosomal recessive limb-girdle muscular dystrophy type 2J (LGMDR10). Also called: MUSCULAR DYSTROPHY, LIMB-GIRDLE, AUTOSOMAL RECESSIVE 10; Limb-girdle muscular dystrophy, type 2J. Identifiers: Orphanet 140922, MedGen C1837342, MONDO:0012127, OMIM 608807.
Cardiovascular phenotype. Identifiers: MedGen CN230736.
Early-onset myopathy with fatal cardiomyopathy (CMYO5). Also called: CONGENITAL MYOPATHY 5 WITH CARDIOMYOPATHY; Salih Myopathy. Identifiers: Orphanet 289377, MedGen C2673677, MONDO:0012714, OMIM 611705. Disease mechanism: loss of function.
Myopathy, myofibrillar, 9, with early respiratory failure (MFM9). Also called: Myopathy, distal, with early respiratory failure, autosomal dominant; Hereditary myopathy with early respiratory failure; EDSTROM MYOPATHY; MYOPATHY, PROXIMAL, WITH EARLY RESPIRATORY MUSCLE INVOLVEMENT. Identifiers: Orphanet 178464, Orphanet 34521, MedGen C1863599, MONDO:0011362, OMIM 603689.
Tibial muscular dystrophy (TMD). Also called: Udd Distal Myopathy – Tibial Muscular Dystrophy; UDD MYOPATHY; Tibial muscular dystrophy, tardive. Identifiers: Orphanet 609, MedGen C1838244, MONDO:0010870, OMIM 600334.

Allele frequency attached by ClinVar (database versions not stated): gnomAD 0.00001 and 0.00005; TOPMed 0.00002; ExAC 0.00004; gnomAD exomes 0.00004 and 0.00013; 1000 Genomes Project 30x 0.00016; 1000 Genomes Project 0.00020.
gnomAD v4.1: 193 of 1,613,794 alleles (0.012%); highest among the groups gnomAD compares: East Asian, 0.31%; 1 homozygote.

Submissions (8):

Labcorp Genetics (formerly Invitae), Labcorp
Classification: Likely benign for Dilated cardiomyopathy 1G; Autosomal recessive limb-girdle muscular dystrophy type 2J. Last evaluated: 2026-01-10. Review status: criteria provided, single submitter. Criteria: Invitae Variant Classification Sherloc (09022015). Collection method: clinical testing. Allele origin: germline.

Ambry Genetics
Classification: Likely benign for Cardiovascular phenotype. Last evaluated: 2021-01-21. Review status: criteria provided, single submitter. Criteria: Ambry Variant Classification Scheme 2023. Collection method: clinical testing. Allele origin: germline.

Illumina Laboratory Services, Illumina
Classification: Uncertain significance for Dilated cardiomyopathy 1G. Last evaluated: 2018-01-13. Review status: criteria provided, single submitter. Criteria: ICSL Variant Classification Criteria 13 December 2019. Collection method: clinical testing. Allele origin: germline.

Illumina Laboratory Services, Illumina
Classification: Uncertain significance for Early-onset myopathy with fatal cardiomyopathy. Last evaluated: 2018-01-13. Review status: criteria provided, single submitter. Criteria: ICSL Variant Classification Criteria 13 December 2019. Collection method: clinical testing. Allele origin: germline.

Illumina Laboratory Services, Illumina
Classification: Uncertain significance for Autosomal recessive limb-girdle muscular dystrophy type 2J. Last evaluated: 2018-01-13. Review status: criteria provided, single submitter. Criteria: ICSL Variant Classification Criteria 13 December 2019. Collection method: clinical testing. Allele origin: germline.

Illumina Laboratory Services, Illumina
Classification: Benign for Myopathy, myofibrillar, 9, with early respiratory failure. Last evaluated: 2018-01-13. Review status: criteria provided, single submitter. Criteria: ICSL Variant Classification Criteria 13 December 2019. Collection method: clinical testing. Allele origin: germline.
Comment: This variant was observed in the ICSL laboratory as part of a predisposition screen in an ostensibly healthy population. It had not been previously curated by ICSL or reported in the Human Gene Mutation Database (HGMD: prior to June 1st, 2018), and was therefore a candidate for classification through an automated scoring system. Utilizing variant allele frequency, disease prevalence and penetrance estimates, and inheritance mode, an automated score was calculated to assess if this variant is too frequent to cause the disease. Based on the score and internal cut-off values, a variant classified as benign is not then subjected to further curation. The score for this variant resulted in a classification of benign for this disease.

Illumina Laboratory Services, Illumina
Classification: Benign for Tibial muscular dystrophy. Last evaluated: 2018-01-13. Review status: criteria provided, single submitter. Criteria: ICSL Variant Classification Criteria 13 December 2019. Collection method: clinical testing. Allele origin: germline.
Comment: the same text as in the submission from Illumina Laboratory Services, Illumina above.

Eurofins Ntd Llc (ga)
Classification: Uncertain significance. Last evaluated: 2017-07-03. Review status: criteria provided, single submitter. Criteria: EGL Classification Definitions 2015. Collection method: clinical testing. Allele origin: germline. Observed: 2 variant alleles, 2 heterozygotes.

NM_001267550.2(TTN):c.92058C>T (p.Asn30686=)

Genes: TTN (titin; minus strand), TTN-AS1 (TTN antisense RNA 1; plus strand). Cytogenetic location: 2q31.2.
Variant type: single nucleotide variant.
Coding change: c.92058C>T on transcript NM_001267550.2 (MANE Select); coding-DNA position 92058, C replaced by T.
Protein change: p.Asn30686=; no amino-acid change (asparagine 30686 retained).
Molecular consequence: synonymous variant.
Genome position (GRCh38, 1-based): chr2:178,549,664, G>A on the plus strand (C>T on the coding strand, the complement: TTN is on the minus strand). VCF-style: chr2-178549664-G-A. GRCh37 (hg19) VCF-style: chr2-179414391-G-A.
Other names: c.87135C>T, p.Asn29045= (NM_001256850.1); c.64863C>T, p.Asn21621= (NM_003319.4); c.84354C>T, p.Asn28118= (NM_133378.4); c.65238C>T, p.Asn21746= (NM_133432.3); c.65439C>T, p.Asn21813= (NM_133437.4).
Identifiers: ClinVar variation 332729 (VCV000332729.21), dbSNP rs545632095, ClinGen allele CA1987511.